The following is an entry in ClinVar:

NM_000123.4(ERCC5):c.2459_2466delinsC (p.His820fs)

Genes: BIVM-ERCC5 (BIVM-ERCC5 readthrough; plus strand), ERCC5 (ERCC excision repair 5, endonuclease; plus strand), LOC126861834 (BRD4-independent group 4 enhancer GRCh37_chr13:103518038-103519237; plus strand). Cytogenetic location: 13q33.1.
Variant type: Indel.
Coding change: c.2459_2466delinsC on transcript NM_000123.4 (MANE Select); coding-DNA positions 2459 to 2466, ATGTCTAT replaced by C.
Protein change: p.His820fs; shifts the reading frame from histidine 820.
Molecular consequence: frameshift variant.
Genome position (GRCh38, 1-based): chr13:102,866,771-102,866,778, ATGTCTAT replaced by C. VCF-style: chr13-102866771-ATGTCTAT-C. GRCh37 (hg19) VCF-style: chr13-103519121-ATGTCTAT-C.
Other names: c.3821_3828delinsC, p.His1274fs (NM_001204425.2); short protein forms H1274fs, H820fs.
Identifiers: ClinVar variation 5018513 (VCV005018513.2).

ClinVar aggregate classification (germline): Likely pathogenic (1 of 4 stars; one submission).

Conditions:
Cerebrooculofacioskeletal syndrome 3 (COFS3). Identifiers: MedGen C1851443, MONDO:0014696, OMIM 616570.
Xeroderma pigmentosum, group G (XPG). Also called: XERODERMA PIGMENTOSUM VII; XP, GROUP G; Xeroderma pigmentosum type 7; ERCC5-Related Xeroderma Pigmentosum. Identifiers: MedGen C0268141, MONDO:0010216, OMIM 278780.

Submission:

Juno Genomics, Hangzhou Juno Genomics, Inc
Classification: Likely pathogenic for Cerebrooculofacioskeletal syndrome 3; Xeroderma pigmentosum, group G. Review status: criteria provided, single submitter. Criteria: ACMG Guidelines, 2015. Collection method: clinical testing. Allele origin: germline.
Comment: Absent from controls (or at extremely low frequency if recessive) in Genome Aggregation Database.;Null variant in a gene where loss of function (LOF) is a known mechanism of disease.